The following is an entry in ClinVar:

NM_014806.5(RUSC2):c.933C>G (p.Phe311Leu)

Gene: RUSC2 (RUN and SH3 domain containing 2; plus strand). Cytogenetic location: 9p13.3.
Variant type: single nucleotide variant.
Coding change: c.933C>G on transcript NM_014806.5 (MANE Select); coding-DNA position 933, C replaced by G.
Protein change: p.Phe311Leu; replaces phenylalanine 311 with leucine.
Molecular consequence: missense variant. On other transcripts: non-coding transcript variant (1), intron variant (1).
Genome position (GRCh38, 1-based): chr9:35,547,454, C>G. VCF-style: chr9-35547454-C-G. GRCh37 (hg19) VCF-style: chr9-35547451-C-G.
Other names: c.933C>G, p.Phe311Leu (NM_001135999.2); c.-620-7606C>G (NM_001330740.2); short protein forms F311L.
Identifiers: ClinVar variation 2004853 (VCV002004853.4), dbSNP rs2490382023, ClinGen allele CA373329756.

ClinVar aggregate classification (germline): Uncertain significance (1 of 4 stars; one submission).

Submission:

Labcorp Genetics (formerly Invitae), Labcorp
Classification: Uncertain significance. Last evaluated: 2021-11-27. Review status: criteria provided, single submitter. Criteria: Invitae Variant Classification Sherloc (09022015). Collection method: clinical testing. Allele origin: germline.
Comment: Algorithms developed to predict the effect of missense changes on protein structure and function are either unavailable or do not agree on the potential impact of this missense change (SIFT: "Tolerated"; PolyPhen-2: "Probably Damaging"; Align-GVGD: "Class C0"). This sequence change replaces phenylalanine, which is neutral and non-polar, with leucine, which is neutral and non-polar, at codon 311 of the RUSC2 protein (p.Phe311Leu). This variant is not present in population databases (gnomAD no frequency). This variant has not been reported in the literature in individuals affected with RUSC2-related conditions. In summary, the available evidence is currently insufficient to determine the role of this variant in disease. Therefore, it has been classified as a Variant of Uncertain Significance.